The following is an entry in ClinVar:

ClinVar aggregate classification (germline): Uncertain significance (1 of 4 stars; one submission).

Conditions:
Generalized epilepsy with febrile seizures plus, type 7 (GEFSP7). Also called: GEFS+, TYPE 7. Identifiers: Orphanet 36387, MedGen C2751778, MONDO:0013470, OMIM 613863.
Neuropathy, hereditary sensory and autonomic, type 2A (HSAN2A). Also called: HSAN IIA; ACROOSTEOLYSIS, GIACCAI TYPE; ACROOSTEOLYSIS, NEUROGENIC; WNK1-Related HSAN2 (HSAN2A); MORVAN DISEASE; NEUROPATHY, CONGENITAL SENSORY. Identifiers: Orphanet 970, MedGen C2752089, MONDO:0024309, OMIM 201300.

Submission:

Labcorp Genetics (formerly Invitae), Labcorp
Classification: Uncertain significance for Neuropathy, hereditary sensory and autonomic, type 2A; Generalized epilepsy with febrile seizures plus, type 7. Last evaluated: 2022-08-16. Review status: criteria provided, single submitter. Criteria: Invitae Variant Classification Sherloc (09022015). Collection method: clinical testing. Allele origin: germline.
Comment: This sequence change replaces alanine, which is neutral and non-polar, with glutamic acid, which is acidic and polar, at codon 1473 of the SCN9A protein (p.Ala1473Glu). This variant is not present in population databases (gnomAD no frequency). This variant has not been reported in the literature in individuals affected with SCN9A-related conditions. ClinVar contains an entry for this variant (Variation ID: 958488). Algorithms developed to predict the effect of missense changes on protein structure and function (SIFT, PolyPhen-2, Align-GVGD) all suggest that this variant is likely to be disruptive. In summary, the available evidence is currently insufficient to determine the role of this variant in disease. Therefore, it has been classified as a Variant of Uncertain Significance.

NM_001365536.1(SCN9A):c.4451C>A (p.Ala1484Glu)

Genes: SCN9A (sodium voltage-gated channel alpha subunit 9; minus strand), SCN1A-AS1 (SCN1A and SCN9A antisense RNA 1; plus strand). Cytogenetic location: 2q24.3.
Variant type: single nucleotide variant.
Coding change: c.4451C>A on transcript NM_001365536.1 (MANE Select); coding-DNA position 4451, C replaced by A.
Protein change: p.Ala1484Glu; replaces alanine 1484 with glutamic acid.
Molecular consequence: missense variant.
Genome position (GRCh38, 1-based): chr2:166,204,412, G>T on the plus strand (C>A on the coding strand, the complement: SCN9A is on the minus strand). VCF-style: chr2-166204412-G-T. GRCh37 (hg19) VCF-style: chr2-167060922-G-T.
Other names: c.4418C>A, p.Ala1473Glu (NM_002977.4); short protein forms A1473E, A1484E.
Identifiers: ClinVar variation 958488 (VCV000958488.10), dbSNP rs1693695985, ClinGen allele CA349058269.
Genomic context (GRCh38, chr2:166,204,412, plus strand): 5'-TTTTTTACCCCTGGTCGAGGAATTGGCTTTTGTGGCTTCTTGGACCCCAGCTTTTTCATT[G>T]CATTATAGTATTTCTTCTGTTCTTCTGTCATAAAGATGTCTTGACCTCCAAGGTAAAGAA-3'
Protein context (NP_001352465.1, residues 1474-1494): MTEEQKKYYN[Ala1484Glu]MKKLGSKKPQ